The following is an entry in ClinVar:

ClinVar aggregate classification (germline): Conflicting classifications of pathogenicity. Review status: criteria provided, conflicting classifications (1 of 4 stars). 12 submissions from 12 submitters: Uncertain significance (7); Likely benign (3). 2 of the submissions do not count toward it. Last evaluated 2026-01-12.

Conditions:
Hereditary cancer-predisposing syndrome. Also called: Neoplastic Syndromes, Hereditary; Hereditary neoplastic syndrome; Hereditary Cancer Syndrome; Tumor predisposition. Identifiers: Orphanet 140162, MedGen C0027672, MeSH D009386, MONDO:0015356.
Hereditary breast ovarian cancer syndrome. Also called: Breast and ovarian cancer; BRCA1- and BRCA2-Associated Hereditary Breast and Ovarian Cancer; Hereditary breast and ovarian cancer syndrome (HBOC); Hereditary breast and/or ovarian cancer syndrome; Hereditary breast and ovarian cancer; Hereditary breast and ovarian cancer syndrome. Identifiers: Orphanet 145, MedGen C0677776, MeSH D061325, MONDO:0003582. Disease mechanism: loss of function.
Breast-ovarian cancer, familial, susceptibility to, 2 (BROVCA2). Also called: BRCA2 Hereditary Breast and Ovarian Cancer. Identifiers: Orphanet 145, MedGen C2675520, MONDO:0012933, OMIM 612555. Disease mechanism: loss of function.

Allele frequency attached by ClinVar (database versions not stated): TOPMed 0.00002; gnomAD 0.00001; gnomAD exomes 0.00001.
gnomAD v4.1: 12 of 1,612,770 alleles (0.00074%); highest among the groups gnomAD compares: Admixed American, 0.0033%; no homozygotes.

Submissions (12):

Labcorp Genetics (formerly Invitae), Labcorp
Classification: Likely benign for Hereditary breast ovarian cancer syndrome. Last evaluated: 2026-01-12. Review status: criteria provided, single submitter. Criteria: Invitae Variant Classification Sherloc (09022015). Collection method: clinical testing. Allele origin: germline.

Quest Diagnostics Nichols Institute San Juan Capistrano
Classification: Uncertain significance. Last evaluated: 2025-07-12. Review status: criteria provided, single submitter. Criteria: Quest Diagnostics criteria. Collection method: clinical testing. Allele origin: unknown.
Comment: The BRCA2 c.3088T>G (p.Phe1030Val) variant has been reported in the published literature in an individual with breast and/or ovarian cancer (PMID: 19471317 (2009)), and reportedly unaffected individuals (PMID: 33471991 (2021), see also LOVD). This variant was also reported as likely benign in a multifactorial likelihood study (PMID: 31131967 (2019)), and described to be located in a region of the BRCA2 gene that is tolerant to missense sequence changes (PMID: 31911673 (2020)). A functional study demonstrated that this variant had neutral effects on protein function in a drug sensitivity assay using next-generation sequencing (NGS)-based approach in mouse embryonic stem cells (mESC) (PMID: 37922907 (2023)). The frequency of this variant in the general population (Genome Aggregation Database) is uninformative in the assessment of its pathogenicity. Analysis of this variant using bioinformatics tools for the prediction of the effect of amino acid changes on protein structure and function yielded predictions that this variant is benign. Based on the available information, we are unable to determine the clinical significance of this variant.

Dasa
Classification: Uncertain significance for Breast-ovarian cancer, familial, susceptibility to, 2. Last evaluated: 2025-03-23. Review status: criteria provided, single submitter. Criteria: DASA Assertion Criteria. Collection method: clinical testing. Allele origin: germline.
Comment: NM_000059.4(BRCA2):c.3088T>G (p.Phe1030Val) is a missense variant that results in the substitution of phenylalanine with valine. This variant is rare in population databases. The currently available literature and clinical evidence are not sufficient to establish a definitive association between this variant and the reported condition. Therefore, this variant is classified as a variant of uncertain significance.

Color Diagnostics, LLC DBA Color Health
Classification: Likely benign for Hereditary cancer-predisposing syndrome. Last evaluated: 2025-01-22. Review status: criteria provided, single submitter. Criteria: ACMG Guidelines, 2015. Collection method: clinical testing. Allele origin: germline.

Ambry Genetics
Classification: Uncertain significance for Hereditary cancer-predisposing syndrome. Last evaluated: 2024-02-13. Review status: criteria provided, single submitter. Criteria: Ambry Variant Classification Scheme 2023. Collection method: clinical testing. Allele origin: germline.
Comment: The p.F1030V variant (also known as c.3088T>G), located in coding exon 10 of the BRCA2 gene, results from a T to G substitution at nucleotide position 3088. The phenylalanine at codon 1030 is replaced by valine, an amino acid with highly similar properties. Another study reported the variant in an individual with hereditary breast and ovarian cancer (Caux-Moncoutier V et al. Eur J Hum Genet, 2009 Nov;17:1471-80). This amino acid position is poorly conserved in available vertebrate species. In addition, this alteration is predicted to be tolerated by in silico analysis. Based on the available evidence, the clinical significance of this alteration remains unclear.

All of Us Research Program, National Institutes of Health
Classification: Uncertain significance for Breast-ovarian cancer, familial, susceptibility to, 2. Last evaluated: 2023-12-18. Review status: criteria provided, single submitter. Criteria: ACMG Guidelines, 2015. Collection method: clinical testing. Allele origin: germline. Inheritance: Autosomal dominant inheritance. Observed: 4 variant alleles, 4 heterozygotes.
Comment: This missense variant replaces phenylalanine with valine at codon 1030 of the BRCA2 protein. Computational prediction suggests that this variant may not impact protein structure and function (internally defined REVEL score threshold <= 0.5, PMID: 27666373). A functional study in mouse embryonic stem cells showed that this variant does not impact cell viability or drug sensitivity (PMID: 37922907). This variant has been reported in an individual affected with breast or ovarian cancer and in two unaffected individuals (PMID: 19471317, 33471991; Leiden Open Variation Database DB-ID BRCA2_001408). This variant has been identified in 3/250076 chromosomes in the general population by the Genome Aggregation Database (gnomAD). The available evidence is insufficient to determine the role of this variant in disease conclusively. Therefore, this variant is classified as a Variant of Uncertain Significance.

This study involves interpretation of variants in research participants for the purpose of population health screening. Participant phenotype was not available at the time of variant classification. Additional details can be found in publication PMID: 35346344, PMCID: PMC8962531

University of Washington Department of Laboratory Medicine, University of Washington
Classification: Likely benign for Hereditary cancer-predisposing syndrome. Last evaluated: 2023-03-23. Review status: criteria provided, single submitter. Criteria: Dines et al. (Genet Med. 2020). Collection method: curation. Allele origin: germline.
Comment: Missense variant in a coldspot region where missense variants are very unlikely to be pathogenic (PMID:31911673).

BRCA2 exon 11 coldspot. Reclassification based on statistical prior probability.

Sema4
Classification: Uncertain significance for Hereditary cancer-predisposing syndrome. Last evaluated: 2021-09-12. Review status: criteria provided, single submitter. Criteria: Sema4 Curation Guidelines. Collection method: curation. Allele origin: germline.
Comment: The BRCA2 c.3088T>G (p.F1030V) variant has been reported in at least one individual with breast or ovarian cancer (PMID: 19471317), but has also been reported in healthy controls (PMID: 33471991). It was observed in 3/250076 chromosomes in the large and broad cohorts of the Genome Aggregation Database (PMID: 32461654). The variant has been reported in ClinVar (Variation ID 51397). This amino acid position is poorly conserved in available vertebrate species. Functional studies have not been performed, and in silico predictions of the variant's effect on protein function are inconclusive. The evidence is insufficient to meet ACMG/AMP criteria for classifying the variant as benign or pathogenic. Thus, the clinical significance of this variant is currently uncertain.

Mendelics
Classification: Uncertain significance for Breast-ovarian cancer, familial, susceptibility to, 2. Last evaluated: 2019-05-28. Review status: criteria provided, single submitter. Criteria: Mendelics Assertion Criteria 2017. Collection method: clinical testing. Allele origin: unknown.

GeneDx
Classification: Uncertain significance. Last evaluated: 2017-08-15. Review status: criteria provided, single submitter. Criteria: GeneDx Variant Classification (06012015). Collection method: clinical testing. Allele origin: germline. Affected: yes.
Comment: This variant is denoted BRCA2 c.3088T>G at the cDNA level, p.Phe1030Val (F1030V) at the protein level, and results in the change of a Phenylalanine to a Valine (TTC>GTC). Using alternate nomenclature, this variant would be defined as BRCA2 3316T>G. A cDNA-based investigation, following identification of this variant in at least one individual with a history suggestive of hereditary breast and ovarian cancer, determined that this variant did not demonstrate allelic imbalance (Caux-Moncoutier 2009); however, follow-up confirmatory studies have not been published, to our knowledge. BRCA2 Phe1030Val was not observed in large population cohorts (NHLBI Exome Sequencing Project, The 1000 Genomes Consortium 2015, Lek 2016). Since Phenylalanine and Valine differ in some properties, this is considered a semi-conservative amino acid substitution. BRCA2 Phe1030Val occurs at a position where amino acids with properties similar to Phenylalanine are tolerated across species and is located in the BRC1 domain and RAD51 binding domain (Cole 2011, Roy 2012). In silico analyses are inconsistent regarding the effect this variant may have on protein structure and function. Based on currently available evidence, it is unclear whether BRCA2 Phe1030Val is a pathogenic or benign variant. We consider it to be a variant of uncertain significance.

Sharing Clinical Reports Project (SCRP)
Classification: Uncertain significance for Breast-ovarian cancer, familial 2. Last evaluated: 2012-05-01. Review status: no assertion criteria provided. Collection method: clinical testing. Allele origin: germline. Not counted in ClinVar's aggregate classification.

Breast Cancer Information Core (BIC) (BRCA2)
Classification: Uncertain significance for Breast-ovarian cancer, familial 2. Last evaluated: 2000-08-16. Review status: no assertion criteria provided. Collection method: clinical testing. Allele origin: germline. Affected: yes. Observed: 3 variant alleles. Not counted in ClinVar's aggregate classification.

Literature cited by the submitters: PubMed 37922907 (cited by Quest Diagnostics Nichols Institute San Juan Capistrano and All of Us Research Program, National Institutes of Health); PubMed 33471991 (cited by 4 submitters); PubMed 31131967 (cited by Quest Diagnostics Nichols Institute San Juan Capistrano and Ambry Genetics); PubMed 19471317 (cited by 4 submitters); PubMed 31911673 (cited by Quest Diagnostics Nichols Institute San Juan Capistrano).

NM_000059.4(BRCA2):c.3088T>G (p.Phe1030Val)

Gene: BRCA2 (BRCA2 DNA repair associated; plus strand). Cytogenetic location: 13q13.1.
Variant type: single nucleotide variant.
Coding change: c.3088T>G on transcript NM_000059.4 (MANE Select); coding-DNA position 3088, T replaced by G.
Protein change: p.Phe1030Val; replaces phenylalanine 1030 with valine.
Molecular consequence: missense variant.
Genome position (GRCh38, 1-based): chr13:32,337,443, T>G. VCF-style: chr13-32337443-T-G. GRCh37 (hg19) VCF-style: chr13-32911580-T-G.
Other names: 3316T>G; short protein forms F1030V.
Identifiers: ClinVar variation 51397 (VCV000051397.33), dbSNP rs80358554, ClinGen allele CA017215.